The following is an entry in ClinVar:

ClinVar aggregate classification (germline): Pathogenic (1 of 4 stars; one submission).

Conditions:
Hereditary cancer-predisposing syndrome. Also called: Neoplastic Syndromes, Hereditary; Tumor predisposition; Hereditary neoplastic syndrome; Hereditary Cancer Syndrome. Identifiers: Orphanet 140162, MedGen C0027672, MeSH D009386, MONDO:0015356.
Cardiovascular phenotype. Identifiers: MedGen CN230736.

Submission:

Ambry Genetics
Classification: Pathogenic for Cardiovascular phenotype; Hereditary cancer-predisposing syndrome. Last evaluated: 2023-04-14. Review status: criteria provided, single submitter. Criteria: Ambry Variant Classification Scheme 2023. Collection method: clinical testing. Allele origin: germline.
Comment: The c.2007_2010dupTGCA pathogenic mutation, located in coding exon 18 of the NF1 gene, results from a duplication of TGCA at nucleotide position 2007, causing a translational frameshift with a predicted alternate stop codon (p.A671Cfs*30). This variant is considered to be rare based on population cohorts in the Genome Aggregation Database (gnomAD). This alteration is expected to result in loss of function by premature protein truncation or nonsense-mediated mRNA decay. As such, this alteration is interpreted as a disease-causing mutation.

NM_001042492.3(NF1):c.2007_2010dup (p.Ala671fs)

Gene: NF1 (neurofibromin 1; plus strand). Cytogenetic location: 17q11.2.
Variant type: Duplication.
Coding change: c.2007_2010dup on transcript NM_001042492.3 (MANE Select); coding-DNA positions 2007 to 2010, 4 bases duplicated (TGCA; older notation c.2007_2010dupTGCA).
Protein change: p.Ala671fs; shifts the reading frame from alanine 671.
Molecular consequence: frameshift variant.
Genome position (GRCh38, 1-based): chr17:31,226,440-31,226,443, TGCA duplicated. VCF-style (leftmost placement, unchanged base first): chr17-31226439-G-GTGCA. GRCh37 (hg19) VCF-style: chr17-29553457-G-GTGCA.
Other names: c.2007_2010dupTGCA (NM_000267.3); c.2007_2010dup, p.Ala671Cysfs (NM_000267.4); short protein forms A671fs.
Identifiers: ClinVar variation 3238455 (VCV003238455.1), dbSNP rs2508154046.